The following is an entry in ClinVar:

NM_001042492.3(NF1):c.288+6T>G

Gene: NF1 (neurofibromin 1; plus strand). Cytogenetic location: 17q11.2.
Variant type: single nucleotide variant.
Coding change: c.288+6T>G on transcript NM_001042492.3 (MANE Select); 6 bases into the intron after coding-DNA position 288, T replaced by G.
Molecular consequence: intron variant.
Genome position (GRCh38, 1-based): chr17:31,159,099, T>G. VCF-style: chr17-31159099-T-G. GRCh37 (hg19) VCF-style: chr17-29486117-T-G.
Other names: c.288+6T>G (NM_000267.4, NM_001128147.3).
Identifiers: ClinVar variation 4055790 (VCV004055790.1).
Genomic context (GRCh38, chr17:31,159,099, plus strand): 5'-TTTATATCTCTCTCAGTTGATTATATTGGATACACTGGAAAAATGTCTTGCTGGGGTAAG[T>G]AAATTGATCTTAAGTAGGCAGGCTTTGTGAATTTGATCTTGAGAATGATCTTATGTCCCA-3'

ClinVar aggregate classification (germline): Uncertain significance (1 of 4 stars; one submission).

Submission:

GeneDx
Classification: Uncertain significance. Last evaluated: 2025-01-07. Review status: criteria provided, single submitter. Criteria: GeneDx Variant Classification Process June 2021. Collection method: clinical testing. Allele origin: germline. Affected: yes.
Comment: Not observed at significant frequency in large population cohorts (gnomAD); In silico analysis supports a deleterious effect on splicing; Has not been previously published as pathogenic or benign to our knowledge